The following is an entry in ClinVar:

NM_002911.4(UPF1):c.1093C>T (p.Arg365Trp)

Gene: UPF1 (UPF1 RNA helicase and ATPase; plus strand). Cytogenetic location: 19p13.11.
Variant type: single nucleotide variant.
Coding change: c.1093C>T on transcript NM_002911.4 (MANE Select); coding-DNA position 1093, C replaced by T.
Protein change: p.Arg365Trp; replaces arginine 365 with tryptophan.
Molecular consequence: missense variant.
Genome position (GRCh38, 1-based): chr19:18,853,287, C>T. VCF-style: chr19-18853287-C-T. GRCh37 (hg19) VCF-style: chr19-18964096-C-T.
Other names: c.1126C>T, p.Arg376Trp (NM_001297549.2); short protein forms R365W, R376W.
Identifiers: ClinVar variation 4602285 (VCV004602285.1).

ClinVar aggregate classification (germline): Uncertain significance (1 of 4 stars; one submission).

gnomAD v4.1: 8 of 1,613,086 alleles (0.0005%); highest among the groups gnomAD compares: Non-Finnish European, 0.00068%; no homozygotes.

Submission:

Ambry Genetics
Classification: Uncertain significance. Last evaluated: 2025-11-25. Review status: criteria provided, single submitter. Criteria: Ambry Variant Classification Scheme 2023. Collection method: clinical testing. Allele origin: germline.
Comment: The c.1093C>T (p.R365W) alteration is located in exon 8 (coding exon 8) of the UPF1 gene. This alteration results from a C to T substitution at nucleotide position 1093, causing the arginine (R) at amino acid position 365 to be replaced by a tryptophan (W). Based on data from gnomAD, the T allele has an overall frequency of <0.001% (1/250774) total alleles studied. The highest observed frequency was <0.001% (/) of alleles. Based on insufficient or conflicting evidence, the clinical significance of this alteration remains unclear.